The following is an entry in ClinVar:

ClinVar aggregate classification (germline): Uncertain significance (1 of 4 stars; one submission).

gnomAD v4.1: 7 of 1,613,664 alleles (0.00043%); highest among the groups gnomAD compares: Non-Finnish European, 0.00059%; no homozygotes.

Submission:

Labcorp Genetics (formerly Invitae), Labcorp
Classification: Uncertain significance. Last evaluated: 2025-03-19. Review status: criteria provided, single submitter. Criteria: Invitae Variant Classification Sherloc (09022015). Collection method: clinical testing. Allele origin: germline.
Comment: This sequence change replaces asparagine, which is neutral and polar, with serine, which is neutral and polar, at codon 856 of the PROM1 protein (p.Asn856Ser). This variant is present in population databases (rs771661557, gnomAD 0.004%). This variant has not been reported in the literature in individuals affected with PROM1-related conditions. An algorithm developed to predict the effect of missense changes on protein structure and function (PolyPhen-2) suggests that this variant is likely to be disruptive. In summary, the available evidence is currently insufficient to determine the role of this variant in disease. Therefore, it has been classified as a Variant of Uncertain Significance.

NM_006017.3(PROM1):c.2567A>G (p.Asn856Ser)

Gene: PROM1 (prominin 1; minus strand). Cytogenetic location: 4p15.32.
Variant type: single nucleotide variant.
Coding change: c.2567A>G on transcript NM_006017.3 (MANE Select); coding-DNA position 2567, A replaced by G.
Protein change: p.Asn856Ser; replaces asparagine 856 with serine.
Molecular consequence: missense variant. On other transcripts: non-coding transcript variant (2), intron variant (6).
Genome position (GRCh38, 1-based): chr4:15,979,410, T>C on the plus strand (A>G on the coding strand, the complement: PROM1 is on the minus strand). VCF-style: chr4-15979410-T-C. GRCh37 (hg19) VCF-style: chr4-15981033-T-C.
Other names: c.2540A>G, p.Asn847Ser (NM_001145847.2, NM_001145848.2, NM_001371406.1); c.2537A>G, p.Asn846Ser (NM_001441173.1); c.2456A>G, p.Asn819Ser (NM_001441174.1); c.2447A>G, p.Asn816Ser (NM_001441175.1, NM_001441176.1); c.2435A>G, p.Asn812Ser (NM_001441177.1); c.2375A>G, p.Asn792Ser (NM_001441178.1); c.2201A>G, p.Asn734Ser (NM_001441179.1); c.2462+1012A>G (NM_001145852.2, NM_001371408.1, NM_001371407.1); and 3 more; short protein forms N734S, N792S, N816S, N819S, N846S, N812S, N847S, N856S.
Identifiers: ClinVar variation 4706555 (VCV004706555.1).